The following is an entry in ClinVar:

ClinVar aggregate classification (germline): Pathogenic (1 of 4 stars; one submission).

Conditions:
Maple syrup urine disease (MSUD). Identifiers: Orphanet 511, MedGen C0024776, MeSH D008375, MONDO:0009563. Disease mechanism: loss of function.

Submission:

Labcorp Genetics (formerly Invitae), Labcorp
Classification: Pathogenic for Maple syrup urine disease. Last evaluated: 2024-06-15. Review status: criteria provided, single submitter. Criteria: Invitae Variant Classification Sherloc (09022015). Collection method: clinical testing. Allele origin: germline.
Comment: This sequence change creates a premature translational stop signal (p.Gln363*) in the DBT gene. It is expected to result in an absent or disrupted protein product. Loss-of-function variants in DBT are known to be pathogenic (PMID: 16579849, 16786533). This variant is not present in population databases (gnomAD no frequency). This variant has not been reported in the literature in individuals affected with DBT-related conditions. Algorithms developed to predict the effect of sequence changes on RNA splicing suggest that this variant may disrupt the consensus splice site. For these reasons, this variant has been classified as Pathogenic.

Literature cited by the submitters: PubMed 16579849; PubMed 16786533.

NM_001918.5(DBT):c.1087C>T (p.Gln363Ter)

Gene: DBT (dihydrolipoamide branched chain transacylase E2; minus strand). Cytogenetic location: 1p21.2.
Variant type: single nucleotide variant.
Coding change: c.1087C>T on transcript NM_001918.5 (MANE Select); coding-DNA position 1087, C replaced by T.
Protein change: p.Gln363Ter; replaces glutamine 363 with a stop codon.
Molecular consequence: nonsense. On other transcripts: non-coding transcript variant (4).
Genome position (GRCh38, 1-based): chr1:100,206,567, G>A on the plus strand (C>T on the coding strand, the complement: DBT is on the minus strand). VCF-style: chr1-100206567-G-A. GRCh37 (hg19) VCF-style: chr1-100672123-G-A.
Other names: c.544C>T, p.Gln182Ter (NM_001399969.1, NM_001399972.1); short protein forms Q182*, Q363*.
Identifiers: ClinVar variation 3652272 (VCV003652272.2).